The following is an entry in ClinVar:

ClinVar aggregate classification (germline): Likely benign. Review status: criteria provided, multiple submitters, no conflicts (2 of 4 stars). 2 submissions from 2 submitters: Likely benign (2). Last evaluated 2025-01-01.

Conditions:
Hereditary pancreatitis (PCTT). Also called: Hereditary chronic pancreatitis; PRSS1-Related Hereditary Pancreatitis. Identifiers: Orphanet 676, MedGen C0238339, MONDO:0008185, OMIM 167800.

Submissions (2):

CeGaT Center for Human Genetics Tuebingen
Classification: Likely benign. Last evaluated: 2025-01-01. Review status: criteria provided, single submitter. Criteria: CeGaT Center For Human Genetics Tuebingen Variant Classification Criteria Version 2. Collection method: clinical testing. Allele origin: germline. Affected: yes. Observed: 1 variant allele.
Comment: PRSS1: BP4, BP7

Ambry Genetics
Classification: Likely benign for Hereditary pancreatitis. Last evaluated: 2021-10-16. Review status: criteria provided, single submitter. Criteria: Ambry Variant Classification Scheme 2023. Collection method: clinical testing. Allele origin: germline.

NM_002769.5(PRSS1):c.735C>T (p.Ala245=)

Genes: PRSS1 (serine protease 1; plus strand), TRB (T cell receptor beta locus; plus strand). Cytogenetic location: 7q34.
Variant type: single nucleotide variant.
Coding change: c.735C>T on transcript NM_002769.5 (MANE Select); coding-DNA position 735, C replaced by T.
Protein change: p.Ala245=; no amino-acid change (alanine 245 retained).
Molecular consequence: synonymous variant. On other transcripts: non-coding transcript variant (5).
Genome position (GRCh38, 1-based): chr7:142,753,011, C>T. VCF-style: chr7-142753011-C-T. GRCh37 (hg19) VCF-style: chr7-142460862-C-T.
Identifiers: ClinVar variation 1758493 (VCV001758493.15), dbSNP rs2116990388, ClinGen allele CA458266364.